The following is an entry in ClinVar:

ClinVar aggregate classification (germline): Uncertain significance. Review status: criteria provided, multiple submitters, no conflicts (2 of 4 stars). 3 submissions from 3 submitters: Uncertain significance (3). Last evaluated 2023-07-06.

Conditions:
Hereditary cancer-predisposing syndrome. Also called: Tumor predisposition; Neoplastic Syndromes, Hereditary; Hereditary neoplastic syndrome; Hereditary Cancer Syndrome. Identifiers: Orphanet 140162, MedGen C0027672, MeSH D009386, MONDO:0015356.

Allele frequency attached by ClinVar (database versions not stated): TOPMed below 0.00001.

Submissions (3):

Ambry Genetics
Classification: Uncertain significance for Hereditary cancer-predisposing syndrome. Last evaluated: 2023-07-06. Review status: criteria provided, single submitter. Criteria: Ambry Variant Classification Scheme 2023. Collection method: clinical testing. Allele origin: germline.
Comment: The p.T8N variant (also known as c.23C>A), located in coding exon 1 of the CDKN2A (p14ARF) gene, results from a C to A substitution at nucleotide position 23. The threonine at codon 8 is replaced by asparagine, an amino acid with similar properties. This amino acid position is highly conserved in available vertebrate species. In addition, the in silico prediction for this alteration is inconclusive. Since supporting evidence is limited at this time, the clinical significance of this alteration remains unclear.

GeneDx
Classification: Uncertain significance. Last evaluated: 2023-03-03. Review status: criteria provided, single submitter. Criteria: GeneDx Variant Classification Process June 2021. Collection method: clinical testing. Allele origin: germline. Affected: yes.
Comment: Not observed at significant frequency in large population cohorts (gnomAD); In silico analysis supports that this missense variant has a deleterious effect on protein structure/function; Reported using an alternate transcript of the gene; This variant is associated with the following publications: (PMID: 9653180, 9529249, 16173922, 26104880)

Quest Diagnostics Nichols Institute San Juan Capistrano
Classification: Uncertain significance. Last evaluated: 2020-01-14. Review status: criteria provided, single submitter. Criteria: Quest Diagnostics criteria. Collection method: clinical testing. Allele origin: unknown.

NM_058195.4(CDKN2A):c.23C>A (p.Thr8Asn)

Gene: CDKN2A (cyclin dependent kinase inhibitor 2A; minus strand). Cytogenetic location: 9p21.3.
Variant type: single nucleotide variant.
Coding change: c.23C>A on transcript NM_058195.4 (MANE Plus Clinical); coding-DNA position 23, C replaced by A.
Protein change: p.Thr8Asn; replaces threonine 8 with asparagine.
Molecular consequence: missense variant. On other transcripts: intron variant (1).
Genome position (GRCh38, 1-based): chr9:21,994,309, G>T on the plus strand (C>A on the coding strand, the complement: CDKN2A is on the minus strand). VCF-style: chr9-21994309-G-T. GRCh37 (hg19) VCF-style: chr9-21994308-G-T.
Other names: c.-4+512C>A (NM_001363763.2); short protein forms T8N.
Identifiers: ClinVar variation 993218 (VCV000993218.4), dbSNP rs1820536698, ClinGen allele CA373087093.